The following is an entry in ClinVar:

NM_006245.4(PPP2R5D):c.1022C>T (p.Pro341Leu)

Gene: PPP2R5D (protein phosphatase 2 regulatory subunit B'delta; plus strand). Cytogenetic location: 6p21.1.
Variant type: single nucleotide variant.
Coding change: c.1022C>T on transcript NM_006245.4 (MANE Select); coding-DNA position 1022, C replaced by T.
Protein change: p.Pro341Leu; replaces proline 341 with leucine.
Molecular consequence: missense variant.
Genome position (GRCh38, 1-based): chr6:43,008,471, C>T. VCF-style: chr6-43008471-C-T. GRCh37 (hg19) VCF-style: chr6-42976209-C-T.
Other names: c.569C>T, p.Pro190Leu (NM_001270476.2); c.926C>T, p.Pro309Leu (NM_180976.3); c.704C>T, p.Pro235Leu (NM_180977.3); short protein forms P190L, P235L, P309L, P341L.
Identifiers: ClinVar variation 4686197 (VCV004686197.1).

ClinVar aggregate classification (germline): Uncertain significance (1 of 4 stars; one submission).

gnomAD v4.1: 1 of 1,606,244 alleles (0.000062%); highest among the groups gnomAD compares: Non-Finnish European, 0.000085%; no homozygotes.

Submission:

GeneDx
Classification: Uncertain significance. Last evaluated: 2025-07-15. Review status: criteria provided, single submitter. Criteria: GeneDx Variant Classification Process June 2021. Collection method: clinical testing. Allele origin: germline. Affected: yes.
Comment: Not observed at significant frequency in large population cohorts (gnomAD); In silico analysis supports that this missense variant has a deleterious effect on protein structure/function; Has not been previously published as pathogenic or benign to our knowledge